The following is an entry in ClinVar:

ClinVar aggregate classification (germline): Benign. Review status: criteria provided, multiple submitters, no conflicts (2 of 4 stars). 4 submissions from 4 submitters: Benign (4). Last evaluated 2021-11-07.

Conditions:
Bartsocas-Papas syndrome 1. Also called: Bartsocas-Papas syndrome; MULTIPLE PTERYGIUM SYNDROME, ASLAN TYPE; PTERYGIUM, POPLITEAL, LETHAL TYPE. Identifiers: Orphanet 1234, MedGen C1849718, MONDO:0009901, OMIM 263650.

Allele frequency attached by ClinVar (database versions not stated): 1000 Genomes Project 30x 0.12945; 1000 Genomes Project 0.13199; ESP Exome Variant Server 0.15278.
gnomAD v4.1: 221,544 of 1,613,094 alleles (14%); highest among the groups gnomAD compares: Middle Eastern, 23%; 16,480 homozygotes.

Submissions (4):

Genome-Nilou Lab
Classification: Benign for Bartsocas-Papas syndrome 1. Last evaluated: 2021-11-07. Review status: criteria provided, single submitter. Criteria: ACMG Guidelines, 2015. Collection method: clinical testing. Allele origin: germline. Affected: no.

GeneDx
Classification: Benign. Last evaluated: 2019-09-04. Review status: criteria provided, single submitter. Criteria: GeneDx Variant Classification Process June 2021. Collection method: clinical testing. Allele origin: germline. Affected: yes.

Illumina Laboratory Services, Illumina
Classification: Benign for Bartsocas-Papas syndrome 1. Last evaluated: 2018-01-13. Review status: criteria provided, single submitter. Criteria: ICSL Variant Classification Criteria 13 December 2019. Collection method: clinical testing. Allele origin: germline.
Comment: This variant was observed in the ICSL laboratory as part of a predisposition screen in an ostensibly healthy population. It had not been previously curated by ICSL or reported in the Human Gene Mutation Database (HGMD: prior to June 1st, 2018), and was therefore a candidate for classification through an automated scoring system. Utilizing variant allele frequency, disease prevalence and penetrance estimates, and inheritance mode, an automated score was calculated to assess if this variant is too frequent to cause the disease. Based on the score and internal cut-off values, a variant classified as benign is not then subjected to further curation. The score for this variant resulted in a classification of benign for this disease.

Breakthrough Genomics
Classification: Benign. Review status: criteria provided, single submitter. Criteria: ACMG Guidelines, 2015. Collection method: not provided. Allele origin: germline. Inheritance: Autosomal recessive inheritance. Affected: yes.

NM_020639.3(RIPK4):c.630G>C (p.Ala210=)

Gene: RIPK4 (receptor interacting serine/threonine kinase 4; minus strand). Cytogenetic location: 21q22.3.
Variant type: single nucleotide variant.
Coding change: c.630G>C on transcript NM_020639.3 (MANE Select); coding-DNA position 630, G replaced by C.
Protein change: p.Ala210=; no amino-acid change (alanine 210 retained).
Molecular consequence: synonymous variant.
Genome position (GRCh38, 1-based): chr21:41,749,197, C>G on the plus strand (G>C on the coding strand, the complement: RIPK4 is on the minus strand). VCF-style: chr21-41749197-C-G. GRCh37 (hg19) VCF-style: chr21-43169357-C-G.
Identifiers: ClinVar variation 340029 (VCV000340029.9), dbSNP rs2838114, ClinGen allele CA10035692.